The following is an entry in ClinVar:

ClinVar aggregate classification (germline): Uncertain significance (1 of 4 stars; one submission).

Conditions:
Autosomal dominant hypocalcemia 1 (HYPOC1). Also called: HYPOCALCEMIA, FAMILIAL. Identifiers: MedGen C3715128, MONDO:0011013, OMIM 601198.
Familial hypocalciuric hypercalcemia (FHH). Also called: Familial benign hypercalcemia. Identifiers: Orphanet 405, MedGen C1809471, MONDO:0018458.

gnomAD v4.1: 1 of 1,613,924 alleles (0.000062%); highest among the groups gnomAD compares: African/African-American, 0.0013%; no homozygotes.

Submission:

Labcorp Genetics (formerly Invitae), Labcorp
Classification: Uncertain significance for Familial hypocalciuric hypercalcemia; Autosomal dominant hypocalcemia 1. Last evaluated: 2023-08-10. Review status: criteria provided, single submitter. Criteria: Invitae Variant Classification Sherloc (09022015). Collection method: clinical testing. Allele origin: germline.
Comment: In summary, the available evidence is currently insufficient to determine the role of this variant in disease. Therefore, it has been classified as a Variant of Uncertain Significance. An algorithm developed to predict the effect of missense changes on protein structure and function (PolyPhen-2) suggests that this variant is likely to be disruptive. ClinVar contains an entry for this variant (Variation ID: 1003397). This variant has not been reported in the literature in individuals affected with CASR-related conditions. This variant is not present in population databases (gnomAD no frequency). This sequence change replaces alanine, which is neutral and non-polar, with glycine, which is neutral and non-polar, at codon 824 of the CASR protein (p.Ala824Gly).

NM_000388.4(CASR):c.2471C>G (p.Ala824Gly)

Gene: CASR (calcium sensing receptor; plus strand). Cytogenetic location: 3q21.1.
Variant type: single nucleotide variant.
Coding change: c.2471C>G on transcript NM_000388.4 (MANE Select); coding-DNA position 2471, C replaced by G.
Protein change: p.Ala824Gly; replaces alanine 824 with glycine.
Molecular consequence: missense variant.
Genome position (GRCh38, 1-based): chr3:122,284,425, C>G. VCF-style: chr3-122284425-C-G. GRCh37 (hg19) VCF-style: chr3-122003272-C-G.
Other names: c.2501C>G, p.Ala834Gly (NM_001178065.2); short protein forms A824G, A834G.
Identifiers: ClinVar variation 1003397 (VCV001003397.9), dbSNP rs2074939274, ClinGen allele CA354159998.
Genomic context (GRCh38, chr3:122,284,425, plus strand): 5'-CCAAGTTCATCACCTTCAGCATGCTCATCTTCTTCATCGTCTGGATCTCCTTCATTCCAG[C>G]CTATGCCAGCACCTATGGCAAGTTTGTCTCTGCCGTAGAGGTGATTGCCATCCTGGCAGC-3'
Protein context (NP_000379.3, residues 814-834): FFIVWISFIP[Ala824Gly]YASTYGKFVS